The following is an entry in ClinVar:

ClinVar aggregate classification (germline): Uncertain significance (1 of 4 stars; one submission).

Conditions:
Baller-Gerold syndrome (BGS). Also called: CRANIOSYNOSTOSIS WITH RADIAL DEFECTS. Identifiers: Orphanet 1225, MedGen C0265308, MONDO:0009039, OMIM 218600.

Submission:

Labcorp Genetics (formerly Invitae), Labcorp
Classification: Uncertain significance for Baller-Gerold syndrome. Last evaluated: 2025-12-10. Review status: criteria provided, single submitter. Criteria: Invitae Variant Classification Sherloc (09022015). Collection method: clinical testing. Allele origin: germline.
Comment: This sequence change replaces valine, which is neutral and non-polar, with leucine, which is neutral and non-polar, at codon 868 of the RECQL4 protein (p.Val868Leu). This variant is not present in population databases (gnomAD no frequency). This variant has not been reported in the literature in individuals affected with RECQL4-related conditions. Experimental studies and prediction algorithms are not available or were not evaluated, and the functional significance of this variant is currently unknown. In summary, the available evidence is currently insufficient to determine the role of this variant in disease. Therefore, it has been classified as a Variant of Uncertain Significance.

NM_004260.4(RECQL4):c.2602G>C (p.Val868Leu)

Gene: RECQL4 (RecQ like helicase 4; minus strand). Cytogenetic location: 8q24.3.
Variant type: single nucleotide variant.
Coding change: c.2602G>C on transcript NM_004260.4 (MANE Select); coding-DNA position 2602, G replaced by C.
Protein change: p.Val868Leu; replaces valine 868 with leucine.
Molecular consequence: missense variant. On other transcripts: non-coding transcript variant (3).
Genome position (GRCh38, 1-based): chr8:144,513,000, C>G on the plus strand (G>C on the coding strand, the complement: RECQL4 is on the minus strand). VCF-style: chr8-144513000-C-G. GRCh37 (hg19) VCF-style: chr8-145738383-C-G.
Other names: c.1531G>C, p.Val511Leu (NM_001413023.1, NM_001413024.1, NM_001413028.1 and 5 more transcripts); c.2473G>C, p.Val825Leu (NM_001413025.1); c.1465G>C, p.Val489Leu (NM_001413027.1, NM_001413030.1, NM_001413032.1 and 1 more transcripts); c.2251G>C, p.Val751Leu (NM_001413029.1); c.1333G>C, p.Val445Leu (NM_001413031.1, NM_001413038.1); c.2470G>C, p.Val824Leu (NM_001413033.1); c.2308G>C, p.Val770Leu (NM_001413017.1); c.2404G>C, p.Val802Leu (NM_001413018.1); and 6 more; short protein forms V379L, V467L, V489L, V858L, V751L, V802L, V825L, V836L.
Identifiers: ClinVar variation 4732880 (VCV004732880.1).